The following is an entry in ClinVar:

NM_032043.3(BRIP1):c.379G>A (p.Asp127Asn)

Gene: BRIP1 (BRCA1 interacting DNA helicase 1; minus strand). Cytogenetic location: 17q23.2.
Variant type: single nucleotide variant.
Coding change: c.379G>A on transcript NM_032043.3 (MANE Select); coding-DNA position 379, G replaced by A.
Protein change: p.Asp127Asn; replaces aspartic acid 127 with asparagine.
Molecular consequence: missense variant.
Genome position (GRCh38, 1-based): chr17:61,857,058, C>T on the plus strand (G>A on the coding strand, the complement: BRIP1 is on the minus strand). VCF-style: chr17-61857058-C-T. GRCh37 (hg19) VCF-style: chr17-59934419-C-T.
Other names: short protein forms D127N.
Identifiers: ClinVar variation 489837 (VCV000489837.10), dbSNP rs1311206718, ClinGen allele CA400485262.

ClinVar aggregate classification (germline): Uncertain significance. Review status: criteria provided, multiple submitters, no conflicts (2 of 4 stars). 3 submissions from 3 submitters: Uncertain significance (3). Last evaluated 2025-07-14.

Conditions:
Hereditary cancer-predisposing syndrome. Also called: Tumor predisposition; Neoplastic Syndromes, Hereditary; Hereditary Cancer Syndrome; Hereditary neoplastic syndrome. Identifiers: Orphanet 140162, MedGen C0027672, MeSH D009386, MONDO:0015356.
Fanconi anemia complementation group J. Also called: BRIP1-Related Fanconi Anemia. Identifiers: Orphanet 84, MedGen C1836860, MONDO:0012187, OMIM 609054.
Familial cancer of breast. Also called: BREAST CANCER, FAMILIAL; hereditary breast carcinoma; Hereditary breast cancer. Identifiers: Orphanet 227535, MedGen C0346153, MONDO:0016419, OMIM 114480. Disease mechanism: loss of function.

Allele frequency attached by ClinVar (database versions not stated): gnomAD exomes below 0.00001; TOPMed below 0.00001; gnomAD 0.00001.
gnomAD v4.1: 2 of 1,613,528 alleles (0.00012%); highest among the groups gnomAD compares: East Asian, 0.0045%; no homozygotes.

Submissions (3):

Color Diagnostics, LLC DBA Color Health
Classification: Uncertain significance for Hereditary cancer-predisposing syndrome. Last evaluated: 2025-07-14. Review status: criteria provided, single submitter. Criteria: ACMG Guidelines, 2015. Collection method: clinical testing. Allele origin: germline.
Comment: This missense variant replaces aspartic acid with asparagine at codon 127 of the BRIP1 protein. Computational prediction suggests that this variant may not impact protein structure and function. Splice site prediction tools suggest that this variant may impact RNA splicing. However, this prediction has not been confirmed in published RNA studies. This variant has not been reported in individuals affected with hereditary cancer in the literature. This variant has not been identified in the general population by the Genome Aggregation Database (gnomAD). The available evidence is insufficient to determine the role of this variant in disease conclusively. Therefore, this variant is classified as a Variant of Uncertain Significance.

Labcorp Genetics (formerly Invitae), Labcorp
Classification: Uncertain significance for Familial cancer of breast; Fanconi anemia complementation group J. Last evaluated: 2025-04-11. Review status: criteria provided, single submitter. Criteria: Invitae Variant Classification Sherloc (09022015). Collection method: clinical testing. Allele origin: germline.
Comment: This sequence change replaces aspartic acid, which is acidic and polar, with asparagine, which is neutral and polar, at codon 127 of the BRIP1 protein (p.Asp127Asn). This variant also falls at the last nucleotide of exon 4, which is part of the consensus splice site for this exon. This variant is not present in population databases (gnomAD no frequency). This variant has not been reported in the literature in individuals affected with BRIP1-related conditions. ClinVar contains an entry for this variant (Variation ID: 489837). Invitae Evidence Modeling of protein sequence and biophysical properties (such as structural, functional, and spatial information, amino acid conservation, physicochemical variation, residue mobility, and thermodynamic stability) indicates that this missense variant is not expected to disrupt BRIP1 protein function with a negative predictive value of 95%. Variants that disrupt the consensus splice site are a relatively common cause of aberrant splicing (PMID: 17576681, 9536098). Algorithms developed to predict the effect of sequence changes on RNA splicing suggest that this variant may disrupt the consensus splice site. In summary, the available evidence is currently insufficient to determine the role of this variant in disease. Therefore, it has been classified as a Variant of Uncertain Significance.

Ambry Genetics
Classification: Uncertain significance for Hereditary cancer-predisposing syndrome. Last evaluated: 2023-05-04. Review status: criteria provided, single submitter. Criteria: Ambry Variant Classification Scheme 2023. Collection method: clinical testing. Allele origin: germline.
Comment: The c.379G>A variant (also known as p.D127N), located in coding exon 3 of the BRIP1 gene, results from a G to A substitution at nucleotide position 379. The amino acid change results in aspartic acid to asparagine at codon 127, an amino acid with highly similar properties. However, this change occurs in the last base pair of coding exon 3, which makes it likely to have some effect on normal mRNA splicing. This nucleotide position is well conserved in available vertebrate species. In silico splice site analysis predicts that this alteration will result in the creation or strengthening of a novel splice donor site; however, direct evidence is insufficient at this time (Ambry internal data). Since supporting evidence is limited at this time, the clinical significance of this alteration remains unclear.

Literature cited by the submitters: PubMed 17576681 (cited by Labcorp Genetics (formerly Invitae), Labcorp); PubMed 9536098 (cited by Labcorp Genetics (formerly Invitae), Labcorp).